The following is an entry in ClinVar:

ClinVar aggregate classification (germline): Conflicting classifications of pathogenicity. Review status: criteria provided, conflicting classifications (1 of 4 stars). 2 submissions from 2 submitters: Uncertain significance (1); Likely benign (1). Last evaluated 2026-04-01.

Conditions:
Neurodevelopmental disorder with or without hyperkinetic movements and seizures, autosomal dominant. Also called: Intellectual disability, autosomal dominant 8. Identifiers: MedGen C3280282, MONDO:0013655, OMIM 614254.

Allele frequency attached by ClinVar (database versions not stated): gnomAD exomes below 0.00001.
gnomAD v4.1: 1 of 1,612,078 alleles (0.000062%); highest among the groups gnomAD compares: African/African-American, 0.0013%; no homozygotes.

Submissions (2):

Greenwood Genetic Center Diagnostic Laboratories, Greenwood Genetic Center
Classification: Uncertain significance. Last evaluated: 2026-04-01. Review status: criteria provided, single submitter. Criteria: ACMG Guidelines, 2015. Collection method: clinical testing. Allele origin: germline.
Comment: PM2, PM3, PP3

Labcorp Genetics (formerly Invitae), Labcorp
Classification: Likely benign for Neurodevelopmental disorder with or without hyperkinetic movements and seizures, autosomal dominant. Last evaluated: 2025-11-05. Review status: criteria provided, single submitter. Criteria: Invitae Variant Classification Sherloc (09022015). Collection method: clinical testing. Allele origin: germline.

NM_007327.4(GRIN1):c.1095C>T (p.Gly365=)

Gene: GRIN1 (glutamate ionotropic receptor NMDA type subunit 1; plus strand). Cytogenetic location: 9q34.3.
Variant type: single nucleotide variant.
Coding change: c.1095C>T on transcript NM_007327.4 (MANE Select); coding-DNA position 1095, C replaced by T.
Protein change: p.Gly365=; no amino-acid change (glycine 365 retained).
Molecular consequence: synonymous variant.
Genome position (GRCh38, 1-based): chr9:137,158,505, C>T. VCF-style: chr9-137158505-C-T. GRCh37 (hg19) VCF-style: chr9-140052957-C-T.
Other names: c.1095C>T, p.Gly365= (NM_000832.7, NM_021569.4); c.1158C>T, p.Gly386= (NM_001185090.2, NM_001185091.2).
Identifiers: ClinVar variation 2028319 (VCV002028319.5), dbSNP rs1321932582, ClinGen allele CA467790067.
Genomic context (GRCh38, chr9:137,158,505, plus strand): 5'-CCGGAAGTTCGCCAACTACAGCATCATGAACCTGCAGAACCGCAAGCTGGTGCAAGTGGG[C>T]ATCTACAATGGCACCCACGTAGGTGGGGGTCATGAGGGGGTGGGGGCTGGGGCCTTAGGG-3'
Protein context (NP_015566.1, residues 355-375): NLQNRKLVQV[Gly365=]IYNGTHVIPN